The following is an entry in ClinVar:

NM_172107.4(KCNQ2):c.636C>A (p.Asp212Glu)

Gene: KCNQ2 (potassium voltage-gated channel subfamily Q member 2; minus strand). Cytogenetic location: 20q13.33.
Variant type: single nucleotide variant.
Coding change: c.636C>A on transcript NM_172107.4 (MANE Select); coding-DNA position 636, C replaced by A.
Protein change: p.Asp212Glu; replaces aspartic acid 212 with glutamic acid.
Molecular consequence: missense variant.
Genome position (GRCh38, 1-based): chr20:63,444,713, G>T on the plus strand (C>A on the coding strand, the complement: KCNQ2 is on the minus strand). VCF-style: chr20-63444713-G-T. GRCh37 (hg19) VCF-style: chr20-62076066-G-T.
Other names: p.D212E:GAC>GAA; c.636C>A, p.Asp212Glu (NM_004518.6, NM_172106.3, NM_172108.5 and 1 more transcripts); short protein forms D212E.
Identifiers: ClinVar variation 205874 (VCV000205874.2), dbSNP rs796052627, ClinGen allele CA315372.

ClinVar aggregate classification (germline): Pathogenic (1 of 4 stars; one submission).

Submission:

GeneDx
Classification: Pathogenic. Last evaluated: 2014-04-10. Review status: criteria provided, single submitter. Criteria: GeneDx Variant Classification (06012015). Collection method: clinical testing. Allele origin: germline. Affected: yes.
Comment: p.Asp212Glu (GAC>GAA): c.636 C>A in exon 4 of the KCNQ2 gene (NM_172107.2)A D212E variant that is likely pathogenic has been identified in the KCNQ2 gene. The D212E variant has not been published as a mutation, nor has it been reported as a benign polymorphism to our knowledge. It was not observed in approximately 6,500 individuals of European and African American ancestry in the NHLBI Exome Sequencing Project, indicating it is not a common benign variant in these populations The D212E variant is a conservative amino acid substitution, which is not likely to impact secondary protein structure as these residues share similar properties. However, this substitution occurs at a highly conserved position in the voltage sensor segment in the fourth transmembrane domain of the KCNQ2 protein and other missense mutations at the same codon (D212G) and at nearby residues (R210H, R213W, R214W for example) have been reported in association with KCNQ2-related disorders, supporting the functional importance of this region of the protein. Additionally, in silico analysis predicts this variant is probably damaging to the protein structure/function. Therefore, this variant is a strong candidate for a pathogenic mutation, however the possibility that it is a benign variant cannot be excluded. The variant is found in INFANT-EPI panel(s).